The following is an entry in ClinVar:

ClinVar aggregate classification (germline): Pathogenic (1 of 4 stars; one submission).

Conditions:
Periventricular heterotopia with microcephaly, autosomal recessive (ARPHM). Also called: Periventricular heterotopia with microcephaly; PERIVENTRICULAR NODULAR HETEROTOPIA 2. Identifiers: Orphanet 2149, MedGen C1842563, MONDO:0011966, OMIM 608097.

Allele frequency attached by ClinVar (database versions not stated): TOPMed below 0.00001; gnomAD 0.00001.
gnomAD v4.1: 1 of 1,613,808 alleles (0.000062%); highest among the groups gnomAD compares: Non-Finnish European, 0.000085%; no homozygotes.

Submission:

Victorian Clinical Genetics Services, Murdoch Childrens Research Institute
Classification: Pathogenic for Periventricular heterotopia with microcephaly, autosomal recessive. Last evaluated: 2023-07-17. Review status: criteria provided, single submitter. Criteria: ACMG Guidelines, 2015. Collection method: clinical testing. Allele origin: germline. Inheritance: Autosomal recessive inheritance. Affected: yes.
Comment: Based on the classification scheme VCGS_Germline_v1.3.4, this variant is classified as Pathogenic. Following criteria are met: 0102 - Loss of function is a likely mechanism of disease in this gene and is associated with periventricular heterotopia with microcephaly (MIM#608097). (I) 0106 - This gene is associated with autosomal recessive disease. (I) 0201 - Variant is predicted to cause nonsense-mediated decay (NMD) and loss of protein (premature termination codon is located at least 54 nucleotides upstream of the final exon-exon junction). (SP) 0251 - This variant is heterozygous. (I) 0304 - Variant is present in gnomAD (v3) <0.01 for a recessive condition (1 heterozygote, 0 homozygotes). (SP) 0702 - Other NMD-predicted variants comparable to the one identified in this case have strong previous evidence for pathogenicity. These variants have been reported several times as pathogenic and have been observed in multiple affected families (ClinVar, PMID: 23755938). (SP) 0807 - This variant has no previous evidence of pathogenicity. (I) 0905 - No published segregation evidence has been identified for this variant. (I) 1007 - No published functional evidence has been identified for this variant. (I) Legend: (SP) - Supporting pathogenic, (I) - Information, (SB) - Supporting benign

Literature cited by the submitters: PubMed 23755938.

NM_006420.3(ARFGEF2):c.4918C>T (p.Arg1640Ter)

Gene: ARFGEF2 (ARF guanine nucleotide exchange factor 2; plus strand). Cytogenetic location: 20q13.13.
Variant type: single nucleotide variant.
Coding change: c.4918C>T on transcript NM_006420.3 (MANE Select); coding-DNA position 4918, C replaced by T.
Protein change: p.Arg1640Ter; replaces arginine 1640 with a stop codon.
Molecular consequence: nonsense.
Genome position (GRCh38, 1-based): chr20:49,025,475, C>T. VCF-style: chr20-49025475-C-T. GRCh37 (hg19) VCF-style: chr20-47642012-C-T.
Other names: c.4915C>T, p.Arg1639Ter (NM_001410846.1); short protein forms R1639*, R1640*.
Identifiers: ClinVar variation 3254661 (VCV003254661.1), dbSNP rs772953658.